The following is an entry in ClinVar:

ClinVar aggregate classification (germline): Uncertain significance (1 of 4 stars; one submission).

Conditions:
Inborn genetic diseases. Identifiers: MedGen C0950123, MeSH D030342.

Submission:

Ambry Genetics
Classification: Uncertain significance for Inborn genetic diseases. Last evaluated: 2025-12-17. Review status: criteria provided, single submitter. Criteria: Ambry Variant Classification Scheme 2023. Collection method: clinical testing. Allele origin: germline.
Comment: The p.S97I variant (also known as c.290G>T), located in coding exon 4 of the RECQL4 gene, results from a G to T substitution at nucleotide position 290. The serine at codon 97 is replaced by isoleucine, an amino acid with dissimilar properties. This amino acid position is conserved. In addition, this alteration is predicted to be tolerated by in silico analysis. Based on the available evidence, the clinical significance of this variant remains unclear.

NM_004260.4(RECQL4):c.290G>T (p.Ser97Ile)

Gene: RECQL4 (RecQ like helicase 4; minus strand). Cytogenetic location: 8q24.3.
Variant type: single nucleotide variant.
Coding change: c.290G>T on transcript NM_004260.4 (MANE Select); coding-DNA position 290, G replaced by T.
Protein change: p.Ser97Ile; replaces serine 97 with isoleucine.
Molecular consequence: missense variant. On other transcripts: 5 prime UTR variant (17), non-coding transcript variant (3).
Genome position (GRCh38, 1-based): chr8:144,517,114, C>A on the plus strand (G>T on the coding strand, the complement: RECQL4 is on the minus strand). VCF-style: chr8-144517114-C-A. GRCh37 (hg19) VCF-style: chr8-145742498-C-A.
Other names: c.290G>T, p.Ser97Ile (NM_001413017.1, NM_001413018.1, NM_001413019.1 and 5 more transcripts); c.-431G>T (NM_001413021.1); c.-782G>T (NM_001413022.1, NM_001413023.1, NM_001413037.1 and 3 more transcripts); c.-679G>T (NM_001413024.1, NM_001413035.1); c.161G>T, p.Ser54Ile (NM_001413025.1); c.-844G>T (NM_001413027.1, NM_001413030.1, NM_001413031.1 and 1 more transcripts); c.-507G>T (NM_001413028.1); c.-741G>T (NM_001413032.1); and 2 more; short protein forms S54I, S97I.
Identifiers: ClinVar variation 4841556 (VCV004841556.1).